The following is an entry in ClinVar:

NM_001134382.3(IQSEC1):c.2190+5G>A

Gene: IQSEC1 (IQ motif and Sec7 domain ArfGEF 1; minus strand). Cytogenetic location: 3p25.2.
Variant type: single nucleotide variant.
Coding change: c.2190+5G>A on transcript NM_001134382.3 (MANE Select); 5 bases into the intron after coding-DNA position 2190, G replaced by A.
Molecular consequence: intron variant.
Genome position (GRCh38, 1-based): chr3:12,915,099, C>T on the plus strand (G>A on the coding strand, the complement: IQSEC1 is on the minus strand). VCF-style: chr3-12915099-C-T. GRCh37 (hg19) VCF-style: chr3-12956599-C-T.
Other names: c.2514+5G>A (NM_001376938.2); c.1866+5G>A (NM_001330619.3); c.2232+5G>A (NM_014869.8).
Identifiers: ClinVar variation 3233722 (VCV003233722.2), dbSNP rs1695949791, ClinGen allele CA1346386298.
Genomic context (GRCh38, chr3:12,915,099, plus strand): 5'-GGCTGATGCTGGGCCTCCCCAGGGCGGCGGGCTACCCACAAAGGTAAAACCAGAGAAATA[C>T]TCACACAGCCGAGCCCGGGATGCAGGGATCCGATCTGCGGGAGAATGTGAAACCAACAAA-3'

ClinVar aggregate classification (germline): Uncertain significance (1 of 4 stars; one submission).

Allele frequency attached by ClinVar (database versions not stated): TOPMed below 0.00001.

Submission:

Women's Health and Genetics/Laboratory Corporation of America, LabCorp
Classification: Uncertain significance. Last evaluated: 2024-03-28. Review status: criteria provided, single submitter. Criteria: LabCorp Variant Classification Summary - May 2015. Collection method: clinical testing. Allele origin: germline.
Comment: Variant summary: IQSEC1 c.2232+5G>A alters a conserved nucleotide located close to a canonical splice site and therefore could affect mRNA splicing, leading to a significantly altered protein sequence. Several computational tools predict a significant impact on normal splicing: Three predict the variant abolishes a 5' splicing donor site. However, these predictions have yet to be confirmed by functional studies. The variant was absent in 234254 control chromosomes (gnomAD). The available data on variant occurrences in the general population are insufficient to allow any conclusion about variant significance. To our knowledge, no occurrence of c.2232+5G>A in individuals affected with Intellectual Developmental Disorder With Short Stature And Behavioral Abnormalities and no experimental evidence demonstrating its impact on protein function have been reported. No submitters have cited clinical-significance assessments for this variant to ClinVar. Based on the evidence outlined above, the variant was classified as uncertain significance.